The following is an entry in ClinVar:

ClinVar aggregate classification (germline): Uncertain significance (1 of 4 stars; one submission).

Conditions:
Cardiovascular phenotype. Identifiers: MedGen CN230736.

Submission:

Ambry Genetics
Classification: Uncertain significance for Cardiovascular phenotype. Last evaluated: 2025-06-17. Review status: criteria provided, single submitter. Criteria: Ambry Variant Classification Scheme 2023. Collection method: clinical testing. Allele origin: germline.
Comment: The p.P132H variant (also known as c.395C>A), located in coding exon 1 of the ALPK3 gene, results from a C to A substitution at nucleotide position 395. The proline at codon 132 is replaced by histidine, an amino acid with similar properties. This amino acid position is conserved. In addition, this alteration is predicted to be tolerated by in silico analysis. Based on the available evidence, the clinical significance of this variant remains unclear.

NM_020778.4:c.395C>A

Gene: ALPK3 (alpha kinase 3; plus strand).
Variant type: single nucleotide variant.
Identifiers: ClinVar variation 4088759 (VCV004088759.1).